The following is an entry in ClinVar:

ClinVar aggregate classification (germline): Uncertain significance. Review status: criteria provided, multiple submitters, no conflicts (2 of 4 stars). 2 submissions from 2 submitters: Uncertain significance (2). Last evaluated 2025-01-30.

Allele frequency attached by ClinVar (database versions not stated): gnomAD exomes below 0.00001 and 0.00001; ExAC 0.00001; TOPMed 0.00001; gnomAD 0.00002.
gnomAD v4.1: 14 of 1,613,792 alleles (0.00087%); highest among the groups gnomAD compares: Non-Finnish European, 0.0012%; no homozygotes.

Submissions (2):

Ambry Genetics
Classification: Uncertain significance. Last evaluated: 2025-01-30. Review status: criteria provided, single submitter. Criteria: Ambry Variant Classification Scheme 2023. Collection method: clinical testing. Allele origin: germline.
Comment: The p.L719I variant (also known as c.2155C>A), located in coding exon 13 of the GEN1 gene, results from a C to A substitution at nucleotide position 2155. The leucine at codon 719 is replaced by isoleucine, an amino acid with highly similar properties. This amino acid position is conserved. In addition, this alteration is predicted to be tolerated by in silico analysis. Based on the available evidence, the clinical significance of this variant remains unclear.

Labcorp Genetics (formerly Invitae), Labcorp
Classification: Uncertain significance. Last evaluated: 2021-11-15. Review status: criteria provided, single submitter. Criteria: Invitae Variant Classification Sherloc (09022015). Collection method: clinical testing. Allele origin: germline.
Comment: In summary, the available evidence is currently insufficient to determine the role of this variant in disease. Therefore, it has been classified as a Variant of Uncertain Significance. Algorithms developed to predict the effect of missense changes on protein structure and function (SIFT, PolyPhen-2, Align-GVGD) all suggest that this variant is likely to be tolerated. This variant has not been reported in the literature in individuals affected with GEN1-related conditions. This variant is present in population databases (rs780219575, gnomAD 0.002%). This sequence change replaces leucine, which is neutral and non-polar, with isoleucine, which is neutral and non-polar, at codon 719 of the GEN1 protein (p.Leu719Ile).

NM_001130009.3(GEN1):c.2155C>A (p.Leu719Ile)

Gene: GEN1 (GEN1 structure-specific endonuclease; plus strand). Cytogenetic location: 2p24.2.
Variant type: single nucleotide variant.
Coding change: c.2155C>A on transcript NM_001130009.3 (MANE Select); coding-DNA position 2155, C replaced by A.
Protein change: p.Leu719Ile; replaces leucine 719 with isoleucine.
Molecular consequence: missense variant.
Genome position (GRCh38, 1-based): chr2:17,781,367, C>A. VCF-style: chr2-17781367-C-A. GRCh37 (hg19) VCF-style: chr2-17962634-C-A.
Other names: c.2155C>A, p.Leu719Ile (NM_182625.5); c.2155C>A (NM_001130009.1); short protein forms L719I.
Identifiers: ClinVar variation 1414797 (VCV001414797.8), dbSNP rs780219575, ClinGen allele CA1540908.
Genomic context (GRCh38, chr2:17,781,367, plus strand): 5'-TCCATACTTAGTGTAAAAGAATCTTGTATTGCTAACAGTGGTTCTGATTGTACATCACAT[C>A]TTTCAAAGGATCTTCCAGGAATTCCCTTGCAAAATGAATCCAGAGACTCTAAAATTCTAA-3'
Protein context (NP_001123481.3, residues 709-729): ANSGSDCTSH[Leu719Ile]SKDLPGIPLQ